The following is an entry in ClinVar:

NM_002905.5(RDH5):c.678G>A (p.Trp226Ter)

Genes: BLOC1S1-RDH5 (BLOC1S1-RDH5 readthrough; plus strand), CD63 (CD63 molecule; minus strand), RDH5 (retinol dehydrogenase 5; plus strand). Cytogenetic location: 12q13.2.
Variant type: single nucleotide variant.
Coding change: c.678G>A on transcript NM_002905.5 (MANE Select); coding-DNA position 678, G replaced by A.
Protein change: p.Trp226Ter; replaces tryptophan 226 with a stop codon.
Molecular consequence: nonsense. On other transcripts: non-coding transcript variant (1).
Genome position (GRCh38, 1-based): chr12:55,723,994, G>A. VCF-style: chr12-55723994-G-A. GRCh37 (hg19) VCF-style: chr12-56117778-G-A.
Other names: c.678G>A, p.Trp226Ter (NM_001199771.3); short protein forms W226*.
Identifiers: ClinVar variation 935949 (VCV000935949.8), dbSNP rs1877065693, ClinGen allele CA385202265.

ClinVar aggregate classification (germline): Pathogenic (1 of 4 stars; one submission).

Allele frequency attached by ClinVar (database versions not stated): gnomAD exomes below 0.00001.
gnomAD v4.1: 1 of 1,613,568 alleles (0.000062%); highest among the groups gnomAD compares: Non-Finnish European, 0.000085%; no homozygotes.

Submission:

Labcorp Genetics (formerly Invitae), Labcorp
Classification: Pathogenic. Last evaluated: 2019-07-27. Review status: criteria provided, single submitter. Criteria: Invitae Variant Classification Sherloc (09022015). Collection method: clinical testing. Allele origin: germline.
Comment: This sequence change creates a premature translational stop signal (p.Trp226*) in the RDH5 gene. It is expected to result in an absent or disrupted protein product. For these reasons, this variant has been classified as Pathogenic. Loss-of-function variants in RDH5 are known to be pathogenic (PMID: 11675386, 22815624). This variant has not been reported in the literature in individuals with RDH5-related conditions. This variant is not present in population databases (ExAC no frequency).

Literature cited by the submitters: PubMed 11675386; PubMed 22815624.